The following is an entry in ClinVar:

NM_025137.4(SPG11):c.255G>A (p.Trp85Ter)

Gene: SPG11 (SPG11 vesicle trafficking associated, spatacsin; minus strand). Cytogenetic location: 15q21.1.
Variant type: single nucleotide variant.
Coding change: c.255G>A on transcript NM_025137.4 (MANE Select); coding-DNA position 255, G replaced by A.
Protein change: p.Trp85Ter; replaces tryptophan 85 with a stop codon.
Molecular consequence: nonsense.
Genome position (GRCh38, 1-based): chr15:44,663,393, C>T on the plus strand (G>A on the coding strand, the complement: SPG11 is on the minus strand). VCF-style: chr15-44663393-C-T. GRCh37 (hg19) VCF-style: chr15-44955591-C-T.
Other names: c.255G>A, p.Trp85Ter (NM_001160227.2); short protein forms W85*.
Identifiers: ClinVar variation 872179 (VCV000872179.49), dbSNP rs957519261, ClinGen allele CA270113577.

ClinVar aggregate classification (germline): Pathogenic. Review status: criteria provided, multiple submitters, no conflicts (2 of 4 stars). 5 submissions from 5 submitters: Pathogenic (5). Last evaluated 2025-03-01.

Conditions:
Hereditary spastic paraplegia 11. Also called: Spastic Paraplegia 11; Spastic paraplegia, mental retardation and thin corpus callosum; SPASTIC PARAPLEGIA, AUTOSOMAL RECESSIVE, COMPLICATED, WITH THIN CORPUS CALLOSUM; SPASTIC PARAPLEGIA, AUTOSOMAL RECESSIVE, WITH MENTAL IMPAIRMENT AND THIN CORPUS CALLOSUM; Nakamura Osame syndrome; Autosomal recessive hereditary spastic paraplegia, mental impairment, and thin corpus callosum. Identifiers: Orphanet 2822, MedGen C1858479, MONDO:0011445, OMIM 604360.
SPG11-related disorder. Also called: SPG11-related condition.

Allele frequency attached by ClinVar (database versions not stated): gnomAD exomes below 0.00001; TOPMed below 0.00001; gnomAD 0.00001.
gnomAD v4.1: 3 of 1,607,162 alleles (0.00019%); highest among the groups gnomAD compares: Non-Finnish European, 0.00025%; no homozygotes.

Submissions (5):

CeGaT Center for Human Genetics Tuebingen
Classification: Pathogenic. Last evaluated: 2025-03-01. Review status: criteria provided, single submitter. Criteria: CeGaT Center For Human Genetics Tuebingen Variant Classification Criteria Version 2. Collection method: clinical testing. Allele origin: germline. Affected: yes. Observed: 2 variant alleles.
Comment: SPG11: PVS1, PM2, PM3

Labcorp Genetics (formerly Invitae), Labcorp
Classification: Pathogenic for Hereditary spastic paraplegia 11. Last evaluated: 2024-11-20. Review status: criteria provided, single submitter. Criteria: Invitae Variant Classification Sherloc (09022015). Collection method: clinical testing. Allele origin: germline.
Comment: This sequence change creates a premature translational stop signal (p.Trp85*) in the SPG11 gene. It is expected to result in an absent or disrupted protein product. Loss-of-function variants in SPG11 are known to be pathogenic (PMID: 19105190, 20110243, 22154821, 26556829). This variant is not present in population databases (gnomAD no frequency). This premature translational stop signal has been observed in individual(s) with hereditary spastic paraplegia (PMID: 26374131). ClinVar contains an entry for this variant (Variation ID: 872179). For these reasons, this variant has been classified as Pathogenic.

Blueprint Genetics
Classification: Pathogenic for SPG11-related disorders. Last evaluated: 2023-08-14. Review status: criteria provided, single submitter. Criteria: ACMG Guidelines, 2015. Collection method: clinical testing. Allele origin: germline. Affected: yes. Observed: 1 variant allele.

Athena Diagnostics
Classification: Pathogenic. Last evaluated: 2020-09-25. Review status: criteria provided, single submitter. Criteria: Athena Diagnostics criteria. Collection method: clinical testing. Allele origin: unknown.
Comment: This variant is expected to result in the loss of a functional protein. This variant has not been reported in large, multi-ethnic general populations. This variant has been identified in at least one individual with clinical features associated with this gene.

Genome-Nilou Lab
Classification: Pathogenic for Hereditary spastic paraplegia 11. Review status: criteria provided, single submitter. Criteria: ACMG Guidelines, 2015. Collection method: clinical testing. Allele origin: germline.

Literature cited by the submitters: PubMed 19105190 (cited by Labcorp Genetics (formerly Invitae), Labcorp); PubMed 20110243 (cited by Labcorp Genetics (formerly Invitae), Labcorp); PubMed 22154821 (cited by Labcorp Genetics (formerly Invitae), Labcorp); PubMed 26556829 (cited by Labcorp Genetics (formerly Invitae), Labcorp); PubMed 26374131 (cited by Labcorp Genetics (formerly Invitae), Labcorp and Athena Diagnostics).